The following is an entry in ClinVar:

NM_001267550.2(TTN):c.103892T>C (p.Ile34631Thr)

Genes: TTN (titin; minus strand), TTN-AS1 (TTN antisense RNA 1; plus strand). Cytogenetic location: 2q31.2.
Variant type: single nucleotide variant.
Coding change: c.103892T>C on transcript NM_001267550.2 (MANE Select); coding-DNA position 103892, T replaced by C.
Protein change: p.Ile34631Thr; replaces isoleucine 34631 with threonine.
Molecular consequence: missense variant.
Genome position (GRCh38, 1-based): chr2:178,532,723, A>G on the plus strand (T>C on the coding strand, the complement: TTN is on the minus strand). VCF-style: chr2-178532723-A-G. GRCh37 (hg19) VCF-style: chr2-179397450-A-G.
Other names: c.98969T>C, p.Ile32990Thr (NM_001256850.1); c.76697T>C, p.Ile25566Thr (NM_003319.4); c.96188T>C, p.Ile32063Thr (NM_133378.4); c.77072T>C, p.Ile25691Thr (NM_133432.3); c.77273T>C, p.Ile25758Thr (NM_133437.4); short protein forms I25566T, I25691T, I25758T, I32063T, I32990T, I34631T.
Identifiers: ClinVar variation 1024068 (VCV001024068.11), dbSNP rs776709904, ClinGen allele CA1985528.

ClinVar aggregate classification (germline): Uncertain significance. Review status: criteria provided, multiple submitters, no conflicts (2 of 4 stars). 2 submissions from 2 submitters: Uncertain significance (2). Last evaluated 2024-07-23.

Conditions:
Dilated cardiomyopathy 1G (CMD1G). Identifiers: Orphanet 154, MedGen C1858763, MONDO:0011400, OMIM 604145.
Autosomal recessive limb-girdle muscular dystrophy type 2J (LGMDR10). Also called: MUSCULAR DYSTROPHY, LIMB-GIRDLE, AUTOSOMAL RECESSIVE 10; Limb-girdle muscular dystrophy, type 2J. Identifiers: Orphanet 140922, MedGen C1837342, MONDO:0012127, OMIM 608807.

Allele frequency attached by ClinVar (database versions not stated): TOPMed 0.00002.
gnomAD v4.1: 13 of 1,613,838 alleles (0.00081%); highest among the groups gnomAD compares: Admixed American, 0.0033%; no homozygotes.

Submissions (2):

Labcorp Genetics (formerly Invitae), Labcorp
Classification: Uncertain significance for Dilated cardiomyopathy 1G; Autosomal recessive limb-girdle muscular dystrophy type 2J. Last evaluated: 2024-07-23. Review status: criteria provided, single submitter. Criteria: Invitae Variant Classification Sherloc (09022015). Collection method: clinical testing. Allele origin: germline.
Comment: This sequence change replaces isoleucine, which is neutral and non-polar, with threonine, which is neutral and polar, at codon 34631 of the TTN protein (p.Ile34631Thr). This variant is present in population databases (rs776709904, gnomAD 0.006%). This variant has not been reported in the literature in individuals affected with TTN-related conditions. ClinVar contains an entry for this variant (Variation ID: 1024068). An algorithm developed to predict the effect of missense changes on protein structure and function outputs the following: PolyPhen-2: "Not Available". The threonine amino acid residue is found in multiple mammalian species, which suggests that this missense change does not adversely affect protein function. This variant is located in the M band of TTN (PMID: 25589632). Non-truncating variants in this region may be relevant for neuromuscular disorders, but have not been definitively shown to cause cardiomyopathy (PMID: 23975875). In summary, the available evidence is currently insufficient to determine the role of this variant in disease. Therefore, it has been classified as a Variant of Uncertain Significance.

Revvity Omics, Revvity
Classification: Uncertain significance. Last evaluated: 2020-02-18. Review status: criteria provided, single submitter. Criteria: ACMG Guidelines, 2015. Collection method: clinical testing. Allele origin: germline.

Literature cited by the submitters: PubMed 25589632 (cited by Labcorp Genetics (formerly Invitae), Labcorp); PubMed 23975875 (cited by Labcorp Genetics (formerly Invitae), Labcorp).